The following is an entry in ClinVar:

ClinVar aggregate classification (germline): Pathogenic (1 of 4 stars; one submission).

Submission:

Athena Diagnostics
Classification: Pathogenic. Last evaluated: 2019-01-29. Review status: criteria provided, single submitter. Criteria: Athena Diagnostics Criteria. Collection method: clinical testing. Allele origin: germline.
Comment: The variant results in a shift of the reading frame, and is therefore predicted to result in the loss of a functional protein. Found in at least one symptomatic patient, and not found in general population data.

NM_001009944.3(PKD1):c.5481dup (p.Gln1828fs)

Gene: PKD1 (polycystin 1, transient receptor potential channel interacting; minus strand). Cytogenetic location: 16p13.3.
Variant type: Duplication.
Coding change: c.5481dup on transcript NM_001009944.3 (MANE Select); coding-DNA position 5481, one base duplicated (G; older notation c.5481dupG).
Protein change: p.Gln1828fs; shifts the reading frame from glutamine 1828.
Molecular consequence: frameshift variant.
Genome position (GRCh38, 1-based): chr16:2,109,686, C duplicated on the plus strand (G on the coding strand, the reverse complement: PKD1 is on the minus strand); the first of 5 consecutive C bases (chr16:2,109,686-2,109,690); duplicating any one gives the same sequence. VCF-style (leftmost placement, unchanged base first): chr16-2109685-G-GC. GRCh37 (hg19) VCF-style: chr16-2159686-G-GC.
Other names: c.5481dup, p.Gln1828fs (NM_000296.4); short protein forms Q1828fs.
Identifiers: ClinVar variation 805170 (VCV000805170.1), dbSNP rs1596555170, ClinGen allele CA915949018.
Genomic context (GRCh38, chr16:2,109,685, plus strand): 5'-GCTTGCTGCTGCCGCCGGGCACAGCCCAGCACCAGCTCACATTGGTGCCCGTGGCCAGCT[G>GC]CCCCCAAAAGGGCACAGAGGACCCGGCCGCCACGAAGCTGCCTCCGGGCTCGCTGGCCCT-3'